The following is an entry in ClinVar:

ClinVar aggregate classification (germline): Likely benign. Review status: criteria provided, multiple submitters, no conflicts (2 of 4 stars). 2 submissions from 2 submitters: Likely benign (2). Last evaluated 2025-07-23.

Conditions:
IFT74-related disorder. Also called: IFT74-related condition; IFT74-Related Disorders.

gnomAD v4.1: 13 of 1,613,206 alleles (0.00081%); highest among the groups gnomAD compares: Non-Finnish European, 0.0011%; no homozygotes.

Submissions (2):

PreventionGenetics, part of Exact Sciences
Classification: Likely benign for IFT74-related condition. Last evaluated: 2025-07-23. Review status: criteria provided, single submitter. Criteria: ACMG Guidelines, 2015. Collection method: clinical testing. Allele origin: germline.
Comment: This variant is classified as likely benign based on ACMG/AMP sequence variant interpretation guidelines (Richards et al. 2015 PMID: 25741868, with internal and published modifications).

Labcorp Genetics (formerly Invitae), Labcorp
Classification: Likely benign. Last evaluated: 2025-05-06. Review status: criteria provided, single submitter. Criteria: Invitae Variant Classification Sherloc (09022015). Collection method: clinical testing. Allele origin: germline.

NM_025103.4(IFT74):c.642A>C (p.Ala214=)

Gene: IFT74 (intraflagellar transport 74; plus strand). Cytogenetic location: 9p21.2.
Variant type: single nucleotide variant.
Coding change: c.642A>C on transcript NM_025103.4 (MANE Select); coding-DNA position 642, A replaced by C.
Protein change: p.Ala214=; no amino-acid change (alanine 214 retained).
Molecular consequence: synonymous variant.
Genome position (GRCh38, 1-based): chr9:27,009,074, A>C. VCF-style: chr9-27009074-A-C. GRCh37 (hg19) VCF-style: chr9-27009072-A-C.
Other names: c.642A>C, p.Ala214= (NM_001099222.3, NM_001099223.3, NM_001099224.3 and 1 more transcripts); c.642A>C (NM_025103.2).
Identifiers: ClinVar variation 4764821 (VCV004764821.2).